The following is an entry in ClinVar:

ClinVar aggregate classification (germline): Uncertain significance (1 of 4 stars; one submission).

gnomAD v4.1: 6 of 1,613,582 alleles (0.00037%); highest among the groups gnomAD compares: Non-Finnish European, 0.00051%; no homozygotes.

Submission:

Labcorp Genetics (formerly Invitae), Labcorp
Classification: Uncertain significance. Last evaluated: 2024-02-24. Review status: criteria provided, single submitter. Criteria: Invitae Variant Classification Sherloc (09022015). Collection method: clinical testing. Allele origin: germline.
Comment: This sequence change replaces phenylalanine, which is neutral and non-polar, with leucine, which is neutral and non-polar, at codon 197 of the COL7A1 protein (p.Phe197Leu). This variant is not present in population databases (gnomAD no frequency). This variant has not been reported in the literature in individuals affected with COL7A1-related conditions. Advanced modeling of protein sequence and biophysical properties (such as structural, functional, and spatial information, amino acid conservation, physicochemical variation, residue mobility, and thermodynamic stability) performed at Invitae indicates that this missense variant is not expected to disrupt COL7A1 protein function with a negative predictive value of 95%. In summary, the available evidence is currently insufficient to determine the role of this variant in disease. Therefore, it has been classified as a Variant of Uncertain Significance.

NM_000094.4(COL7A1):c.591C>G (p.Phe197Leu)

Gene: COL7A1 (collagen type VII alpha 1 chain; minus strand). Cytogenetic location: 3p21.31.
Variant type: single nucleotide variant.
Coding change: c.591C>G on transcript NM_000094.4 (MANE Select); coding-DNA position 591, C replaced by G.
Protein change: p.Phe197Leu; replaces phenylalanine 197 with leucine.
Molecular consequence: missense variant.
Genome position (GRCh38, 1-based): chr3:48,593,193, G>C on the plus strand (C>G on the coding strand, the complement: COL7A1 is on the minus strand). VCF-style: chr3-48593193-G-C. GRCh37 (hg19) VCF-style: chr3-48630626-G-C.
Other names: short protein forms F197L.
Identifiers: ClinVar variation 3700432 (VCV003700432.2).